The following is an entry in ClinVar:

ClinVar aggregate classification (germline): Uncertain significance (1 of 4 stars; one submission).

Submission:

GeneDx
Classification: Uncertain significance. Last evaluated: 2023-08-20. Review status: criteria provided, single submitter. Criteria: GeneDx Variant Classification Process June 2021. Collection method: clinical testing. Allele origin: germline. Affected: yes.
Comment: Not observed at significant frequency in large population cohorts (gnomAD); In silico analysis supports that this missense variant has a deleterious effect on protein structure/function; Has not been previously published as pathogenic or benign to our knowledge; Variants in candidate genes are classified as variants of uncertain significance in accordance with ACMG guidelines (Richards et al., 2015)

NM_014974.3(DIP2C):c.1404G>C (p.Trp468Cys)

Gene: DIP2C (disco interacting protein 2 homolog C; minus strand). Cytogenetic location: 10p15.3.
Variant type: single nucleotide variant.
Coding change: c.1404G>C on transcript NM_014974.3 (MANE Select); coding-DNA position 1404, G replaced by C.
Protein change: p.Trp468Cys; replaces tryptophan 468 with cysteine.
Molecular consequence: missense variant.
Genome position (GRCh38, 1-based): chr10:390,354, C>G on the plus strand (G>C on the coding strand, the complement: DIP2C is on the minus strand). VCF-style: chr10-390354-C-G. GRCh37 (hg19) VCF-style: chr10-436294-C-G.
Other names: short protein forms W468C.
Identifiers: ClinVar variation 3253111 (VCV003253111.1), dbSNP rs2540791508.